The following is an entry in ClinVar:

ClinVar aggregate classification (germline): Likely benign (1 of 4 stars; one submission).

Submission:

Laboratory for Molecular Medicine, Mass General Brigham Personalized Medicine
Classification: Likely benign. Last evaluated: 2014-09-25. Review status: criteria provided, single submitter. Criteria: LMM Criteria. Collection method: clinical testing. Allele origin: germline. Observed: 1 variant allele.
Comment: Gln51[11] in exon 1 of ASCL1: This variant is not expected to have clinical sign ificance because it has been identified in 2.2% (7/322) of Caucasian control chr omosomes (Deng 2010) and has been identified by our laboratory in 1.6% (5/304) o f Caucasian control chromosomes.

Literature cited by the submitters: PubMed 16021468; PubMed 20097173.

NM_004316.4(ASCL1):c.151CAG[11] (p.Gln62del)

Genes: ASCL1 (achaete-scute family bHLH transcription factor 1; plus strand), PAH (phenylalanine hydroxylase; minus strand). Cytogenetic location: 12q23.2.
Variant type: Microsatellite.
Coding change: c.151CAG[11] on transcript NM_004316.4 (MANE Select); 11 copies in a row of the 3-base unit CAG starting at c.151; the reference has 12 copies in a row; one copy, 3 bases deleted.
Protein change: p.Gln62del; deletes glutamine 62.
Molecular consequence: inframe deletion. On other transcripts: 5 prime UTR variant (1).
Genome position (GRCh38, 1-based): chr12:102,958,428-102,958,430, CAG deleted; deleting any 3 consecutive bases within chr12:102,958,394-102,958,430 gives the same sequence; the position shown is the placement nearest the transcript's 3' end. VCF-style (leftmost placement, unchanged base first): chr12-102958393-CGCA-C. GRCh37 (hg19) VCF-style: chr12-103352171-CGCA-C.
Other names: c.-330TGC[11] (NM_001354304.2); short protein forms Q62del.
Identifiers: ClinVar variation 227179 (VCV000227179.6), dbSNP rs3832799, ClinGen allele CA6749123.